The following is an entry in ClinVar:

NM_000393.5(COL5A2):c.389G>A (p.Arg130His)

Gene: COL5A2 (collagen type V alpha 2 chain; minus strand). Cytogenetic location: 2q32.2.
Variant type: single nucleotide variant.
Coding change: c.389G>A on transcript NM_000393.5 (MANE Select); coding-DNA position 389, G replaced by A.
Protein change: p.Arg130His; replaces arginine 130 with histidine.
Molecular consequence: missense variant.
Genome position (GRCh38, 1-based): chr2:189,098,740, C>T on the plus strand (G>A on the coding strand, the complement: COL5A2 is on the minus strand). VCF-style: chr2-189098740-C-T. GRCh37 (hg19) VCF-style: chr2-189963466-C-T.
Other names: short protein forms R130H.
Identifiers: ClinVar variation 425252 (VCV000425252.59), dbSNP rs377331666, ClinGen allele CA2023108.

ClinVar aggregate classification (germline): Conflicting classifications of pathogenicity. Review status: criteria provided, conflicting classifications (1 of 4 stars). 6 submissions from 5 submitters: Uncertain significance (5); Benign (1). Last evaluated 2026-02-24.

Conditions:
Ehlers-Danlos syndrome, classic type, 1 (EDSCL1). Also called: Ehlers-Danlos Syndrome, Classic Type, COL5A1-Related; EDS I; EHLERS-DANLOS SYNDROME, GRAVIS TYPE; EHLERS-DANLOS SYNDROME, SEVERE CLASSIC TYPE; Ehlers-Danlos syndrome, type 1. Identifiers: MedGen C0268335, MONDO:0019567, OMIM 130000.
Ehlers-Danlos syndrome, classic type, 2 (EDSCL2). Also called: Ehlers-Danlos Syndrome, Classic Type, COL5A2-Related; Ehlers-Danlos syndrome, type 2; Ehlers-Danlos syndrome type 2 (formerly). Identifiers: Orphanet 287, Orphanet 90318, MedGen C0268336, MONDO:0019568, OMIM 130010.
Ehlers-Danlos syndrome, classic type (cEDS). Identifiers: Orphanet 287, MedGen C4225429, MONDO:0007522.
Familial thoracic aortic aneurysm and aortic dissection (TAAD). Also called: Thoracic aortic aneurysms and dissections. Identifiers: Orphanet 91387, MedGen C4707243, MONDO:0019625.

Allele frequency attached by ClinVar (database versions not stated): gnomAD exomes 0.00001 and 0.00002; ExAC 0.00002; gnomAD 0.00005 and 0.00006; TOPMed 0.00006; ESP Exome Variant Server 0.00008.
gnomAD v4.1: 23 of 1,612,780 alleles (0.0014%); highest among the groups gnomAD compares: African/African-American, 0.0093%; no homozygotes.

Submissions (6):

Ambry Genetics
Classification: Uncertain significance for Familial thoracic aortic aneurysm and aortic dissection. Last evaluated: 2026-02-24. Review status: criteria provided, single submitter. Criteria: Ambry Variant Classification Scheme 2023. Collection method: clinical testing. Allele origin: germline.
Comment: The c.389G>A (p.R130H) alteration is located in exon 5 (coding exon 5) of the COL5A2 gene. This alteration results from a G to A substitution at nucleotide position 389, causing the arginine (R) at amino acid position 130 to be replaced by a histidine (H). The heterozygous missense change is ultra rare in healthy individuals: Based on data from the NHLBI Exome Sequencing Project (ESP), the COL5A2 c.389G>A alteration was observed in 1 among 13006 total alleles studied (0.01%). Allele frequency data for this nucleotide position are not currently available from the 1000 Genomes Project. This variant is reported in the SNPDatabase as rs377331666. Based on data from the Exome Aggregation Consortium (ExAC), the c.389G>A allele has an overall frequency of approximately 0.001658% (2/120654) total alleles studied, having been observed in 0.006098% (1/16398) South Asian alleles and 0.001506% (1/66392) European non-Finnish alleles. Rare missense alleles commonly exhibit a deleterious effect on protein function (Kryukov, 2007; Tennessen, 2012; please note that some variants may appear to be rare due to ethnic underrepresentation in the database). IF USED, PULL THESE INTO REFERENCES: Kryukov GV, et al. (2007) Am J Hum Genet 80:727-739. Tennessen JA, et al. (2012) Science 337(64):64-69. The altered amino acid is conserved throughout evolution: The p.R130 amino acid is completely conserved in available vertebrate species. In silico prediction is conflicting: The p.R130H alteration is predicted to be probably damaging by Polyphen and tolerated by SIFT in silico analyses. Based on insufficient or conflicting evidence, the clinical significance of this alteration remains unclear.

Labcorp Genetics (formerly Invitae), Labcorp
Classification: Benign for Ehlers-Danlos syndrome, classic type, 1. Last evaluated: 2025-06-11. Review status: criteria provided, single submitter. Criteria: Invitae Variant Classification Sherloc (09022015). Collection method: clinical testing. Allele origin: germline.

Center for Genomics, Ann and Robert H. Lurie Children's Hospital of Chicago
Classification: Uncertain significance for Ehlers-Danlos syndrome, classic type, 2. Last evaluated: 2021-03-30. Review status: criteria provided, single submitter. Criteria: ACMG Guidelines, 2015. Collection method: clinical testing. Allele origin: germline.
Comment: COL5A2 NM_000393.4 exon 5 p.Arg130His (c.389G>A): This variant has not been reported in the literature but is present in 0.01% (4/24956) of African alleles in the Genome Aggregation Database. This variant is present in ClinVar (Variation ID:425252). Evolutionary conservation and computational predictive tools suggest that this variant may impact the protein. In summary, data on this variant is insufficient for disease classification. Therefore, the clinical significance of this variant is uncertain.

GeneDx
Classification: Uncertain significance. Last evaluated: 2021-02-03. Review status: criteria provided, single submitter. Criteria: GeneDx Variant Classification Process June 2021. Collection method: clinical testing. Allele origin: germline. Affected: yes.
Comment: Has not been previously published as pathogenic or benign to our knowledge; In silico analysis supports that this missense variant does not alter protein structure/function; Not located in the triple helical region, where the majority of pathogenic missense variants occur (Symoens et al., 2012; Stenson et al., 2014); Reported in ClinVar as a variant of uncertain significance (ClinVar Variant ID# 425252; Landrum et al., 2016); This variant is associated with the following publications: (PMID: 23587214, 11006503, 22696272, 8168810)

Center for Genomics, Ann and Robert H. Lurie Children's Hospital of Chicago
Classification: Uncertain significance for Ehlers-Danlos syndrome, classic type, 1. Last evaluated: 2019-10-02. Review status: criteria provided, single submitter. Criteria: ACMG Guidelines, 2015. Collection method: clinical testing. Allele origin: germline.
Comment: the same text as in the submission from Center for Genomics, Ann and Robert H. Lurie Children's Hospital of Chicago above.

CeGaT Center for Human Genetics Tuebingen
Classification: Uncertain significance. Last evaluated: 2016-10-01. Review status: criteria provided, single submitter. Criteria: CeGaT Center For Human Genetics Tuebingen Variant Classification Criteria Version 2. Collection method: clinical testing. Allele origin: germline. Affected: yes. Observed: 1 variant allele.